The following is an entry in ClinVar:

NM_012073.5(CCT5):c.936_937del (p.Leu313fs)

Gene: CCT5 (chaperonin containing TCP1 subunit 5; plus strand). Cytogenetic location: 5p15.2.
Variant type: Deletion.
Coding change: c.936_937del on transcript NM_012073.5 (MANE Select); coding-DNA positions 936 to 937, 2 bases deleted (CT; older notation c.936_937delCT).
Protein change: p.Leu313fs; shifts the reading frame from leucine 313.
Molecular consequence: frameshift variant.
Genome position (GRCh38, 1-based): chr5:10,260,854-10,260,855, CT deleted. VCF-style (leftmost placement, unchanged base first): chr5-10260853-ACT-A. GRCh37 (hg19) VCF-style: chr5-10260965-ACT-A.
Other names: c.873_874del, p.Leu292fs (NM_001306153.1); c.771_772del, p.Leu258fs (NM_001306154.2); c.657_658del, p.Leu220fs (NM_001306155.2); c.822_823del, p.Leu275fs (NM_001306156.2); short protein forms L220fs, L292fs, L275fs, L313fs, L258fs.
Identifiers: ClinVar variation 3649193 (VCV003649193.2).

ClinVar aggregate classification (germline): Uncertain significance (1 of 4 stars; one submission).

Conditions:
Hereditary sensory and autonomic neuropathy with spastic paraplegia (HSNSP). Identifiers: Orphanet 139578, MedGen C1850395, MONDO:0009748, OMIM 256840.

Submission:

Labcorp Genetics (formerly Invitae), Labcorp
Classification: Uncertain significance for Hereditary sensory and autonomic neuropathy with spastic paraplegia. Last evaluated: 2024-04-08. Review status: criteria provided, single submitter. Criteria: Invitae Variant Classification Sherloc (09022015). Collection method: clinical testing. Allele origin: germline.
Comment: This sequence change creates a premature translational stop signal (p.Leu313Thrfs*16) in the CCT5 gene. It is expected to result in an absent or disrupted protein product. However, the current clinical and genetic evidence is not sufficient to establish whether loss-of-function variants in CCT5 cause disease. This variant is not present in population databases (gnomAD no frequency). This variant has not been reported in the literature in individuals affected with CCT5-related conditions. In summary, the available evidence is currently insufficient to determine the role of this variant in disease. Therefore, it has been classified as a Variant of Uncertain Significance.